The following is an entry in ClinVar:

ClinVar aggregate classification (germline): Uncertain significance (1 of 4 stars; one submission).

Conditions:
Familial thoracic aortic aneurysm and aortic dissection (TAAD). Also called: Thoracic aortic aneurysms and dissections. Identifiers: Orphanet 91387, MedGen C4707243, MONDO:0019625.
Marfan syndrome (MFS). Also called: Marfan syndrome, classic; Marfan syndrome type 1; Marfan's syndrome; FBN1-Related Marfan Syndrome; MARFAN SYNDROME, TYPE I. Identifiers: Orphanet 284963, Orphanet 558, MedGen C0024796, MONDO:0007947, OMIM 154700.

Submission:

Labcorp Genetics (formerly Invitae), Labcorp
Classification: Uncertain significance for Marfan syndrome; Familial thoracic aortic aneurysm and aortic dissection. Last evaluated: 2023-11-05. Review status: criteria provided, single submitter. Criteria: Invitae Variant Classification Sherloc (09022015). Collection method: clinical testing. Allele origin: germline.
Comment: This sequence change replaces serine, which is neutral and polar, with phenylalanine, which is neutral and non-polar, at codon 873 of the FBN1 protein (p.Ser873Phe). This variant is not present in population databases (gnomAD no frequency). This missense change has been observed in individual(s) with clinical features of Marfan syndrome (Invitae). ClinVar contains an entry for this variant (Variation ID: 944642). Advanced modeling of protein sequence and biophysical properties (such as structural, functional, and spatial information, amino acid conservation, physicochemical variation, residue mobility, and thermodynamic stability) performed at Invitae indicates that this missense variant is expected to disrupt FBN1 protein function with a positive predictive value of 95%. In summary, the available evidence is currently insufficient to determine the role of this variant in disease. Therefore, it has been classified as a Variant of Uncertain Significance.

NM_000138.5(FBN1):c.2618C>T (p.Ser873Phe)

Gene: FBN1 (fibrillin 1; minus strand). Cytogenetic location: 15q21.1.
Variant type: single nucleotide variant.
Coding change: c.2618C>T on transcript NM_000138.5 (MANE Select); coding-DNA position 2618, C replaced by T.
Protein change: p.Ser873Phe; replaces serine 873 with phenylalanine.
Molecular consequence: missense variant.
Genome position (GRCh38, 1-based): chr15:48,495,182, G>A on the plus strand (C>T on the coding strand, the complement: FBN1 is on the minus strand). VCF-style: chr15-48495182-G-A. GRCh37 (hg19) VCF-style: chr15-48787379-G-A.
Other names: short protein forms S873F.
Identifiers: ClinVar variation 944642 (VCV000944642.9), dbSNP rs2043595271, ClinGen allele CA392332408.
Genomic context (GRCh38, chr15:48,495,182, plus strand): 5'-CCAACTTGGCATAGGGTGCACGGGCTTCCCCACGCAGCACCGAGGGAGGAGCAGCACTGG[G>A]ACTTTAAGGTGGCTCCATTGATGTTGATCTCACATCGCCCATCAATGACAGTCTGCCAGC-3'
Protein context (NP_000129.3, residues 863-883): EININGATLK[Ser873Phe]QCCSSLGAAW